The following is an entry in ClinVar:

ClinVar aggregate classification (germline): Benign. Review status: criteria provided, single submitter (1 of 4 stars). 2 submissions from 1 submitter: Benign (2). Last evaluated 2018-01-13.

Conditions:
Nephropathic cystinosis (CTNS). Also called: CYSTINOSIN, DEFECT OF; LYSOSOMAL CYSTINE TRANSPORT PROTEIN, DEFECT OF; Abderhalden Lignac Kaufmann disease; Abderhalden-Kaufmann-Lignac syndrome. Identifiers: Orphanet 213, Orphanet 411629, MedGen C2931187, MONDO:0100151, OMIM 219800.
Ocular cystinosis. Also called: Non-Nephropathic (Ocular) Cystinosis; Non-Nephropathic Cystinosis. Identifiers: Orphanet 213, Orphanet 411641, MedGen C2931013, MONDO:0009064, OMIM 219750.

Allele frequency attached by ClinVar (database versions not stated): 1000 Genomes Project 0.03335; 1000 Genomes Project 30x 0.03638; TOPMed 0.03731; gnomAD 0.03738 and 0.03936.
gnomAD v4.1: 5,676 of 151,932 alleles (3.7%); highest among the groups gnomAD compares: African/African-American, 8.6%; 190 homozygotes.

Submissions (2):

Illumina Laboratory Services, Illumina
Classification: Benign for Nephropathic cystinosis. Last evaluated: 2018-01-13. Review status: criteria provided, single submitter. Criteria: ICSL Variant Classification Criteria 13 December 2019. Collection method: clinical testing. Allele origin: germline.
Comment: This variant was observed in the ICSL laboratory as part of a predisposition screen in an ostensibly healthy population. It had not been previously curated by ICSL or reported in the Human Gene Mutation Database (HGMD: prior to June 1st, 2018), and was therefore a candidate for classification through an automated scoring system. Utilizing variant allele frequency, disease prevalence and penetrance estimates, and inheritance mode, an automated score was calculated to assess if this variant is too frequent to cause the disease. Based on the score and internal cut-off values, a variant classified as benign is not then subjected to further curation. The score for this variant resulted in a classification of benign for this disease.

Illumina Laboratory Services, Illumina
Classification: Benign for Ocular cystinosis. Last evaluated: 2018-01-13. Review status: criteria provided, single submitter. Criteria: ICSL Variant Classification Criteria 13 December 2019. Collection method: clinical testing. Allele origin: germline.
Comment: the same text as in the submission from Illumina Laboratory Services, Illumina above.

NM_004937.3(CTNS):c.*1866C>T

Gene: CTNS (cystinosin, lysosomal cystine transporter; plus strand). Cytogenetic location: 17p13.2.
Variant type: single nucleotide variant.
Coding change: c.*1866C>T on transcript NM_004937.3 (MANE Select); 1866 bases downstream of the stop codon, C replaced by T.
Molecular consequence: 3 prime UTR variant.
Genome position (GRCh38, 1-based): chr17:3,662,235, C>T. VCF-style: chr17-3662235-C-T. GRCh37 (hg19) VCF-style: chr17-3565529-C-T.
Other names: c.*1501C>T (NM_001031681.3, NM_001374492.1); c.*1866C>T (NM_001374493.1, NM_001374494.1, NM_001374495.1 and 1 more transcripts).
Identifiers: ClinVar variation 322901 (VCV000322901.5), dbSNP rs111430685, ClinGen allele CA10639492.